The following is an entry in ClinVar:

NM_015192.4(PLCB1):c.3116T>C (p.Ile1039Thr)

Gene: PLCB1 (phospholipase C beta 1; plus strand). Cytogenetic location: 20p12.3.
Variant type: single nucleotide variant.
Coding change: c.3116T>C on transcript NM_015192.4 (MANE Select); coding-DNA position 3116, T replaced by C.
Protein change: p.Ile1039Thr; replaces isoleucine 1039 with threonine.
Molecular consequence: missense variant.
Genome position (GRCh38, 1-based): chr20:8,788,453, T>C. VCF-style: chr20-8788453-T-C. GRCh37 (hg19) VCF-style: chr20-8769100-T-C.
Other names: c.3116T>C, p.Ile1039Thr (NM_182734.3); short protein forms I1039T.
Identifiers: ClinVar variation 235385 (VCV000235385.79), dbSNP rs75820839, ClinGen allele CA9760466.

ClinVar aggregate classification (germline): Conflicting classifications of pathogenicity. Review status: criteria provided, conflicting classifications (1 of 4 stars). 6 submissions from 6 submitters: Uncertain significance (1); Benign (2); Likely benign (3). Last evaluated 2026-01-26.

Conditions:
Inborn genetic diseases. Identifiers: MedGen C0950123, MeSH D030342.
Developmental and epileptic encephalopathy, 12 (DEE12). Identifiers: MedGen C3150988, MONDO:0013389, OMIM 613722.

Allele frequency attached by ClinVar (database versions not stated): gnomAD exomes 0.00029 and 0.00073; ExAC 0.00089; gnomAD 0.00238 and 0.00251; TOPMed 0.00273; ESP Exome Variant Server 0.00277; 1000 Genomes Project 30x 0.00297; 1000 Genomes Project 0.00300.
gnomAD v4.1: 796 of 1,612,872 alleles (0.049%); highest among the groups gnomAD compares: African/African-American, 0.85%; 4 homozygotes.

Submissions (6):

Labcorp Genetics (formerly Invitae), Labcorp
Classification: Likely benign for Developmental and epileptic encephalopathy, 12. Last evaluated: 2026-01-26. Review status: criteria provided, single submitter. Criteria: Invitae Variant Classification Sherloc (09022015). Collection method: clinical testing. Allele origin: germline.

CeGaT Center for Human Genetics Tuebingen
Classification: Likely benign. Last evaluated: 2024-05-01. Review status: criteria provided, single submitter. Criteria: CeGaT Center For Human Genetics Tuebingen Variant Classification Criteria Version 2. Collection method: clinical testing. Allele origin: germline. Affected: yes. Observed: 1 variant allele.
Comment: PLCB1: BS1:Supporting

Ambry Genetics
Classification: Benign for Inborn genetic diseases. Last evaluated: 2018-09-22. Review status: criteria provided, single submitter. Criteria: Ambry Variant Classification Scheme 2023. Collection method: clinical testing. Allele origin: germline.

Illumina Laboratory Services, Illumina
Classification: Likely benign for Developmental and epileptic encephalopathy, 12. Last evaluated: 2018-01-12. Review status: criteria provided, single submitter. Criteria: ICSL Variant Classification Criteria 13 December 2019. Collection method: clinical testing. Allele origin: germline.
Comment: This variant was observed in the ICSL laboratory as part of a predisposition screen in an ostensibly healthy population. It had not been previously curated by ICSL or reported in the Human Gene Mutation Database (HGMD: prior to June 1st, 2018), and was therefore a candidate for classification through an automated scoring system. Utilizing variant allele frequency, disease prevalence and penetrance estimates, and inheritance mode, an automated score was calculated to assess if this variant is too frequent to cause the disease. Based on the score and internal cut-off values, a variant classified as likely benign is not then subjected to further curation. The score for this variant resulted in a classification of likely benign for this disease.

Eurofins Ntd Llc (ga)
Classification: Benign. Last evaluated: 2016-09-14. Review status: criteria provided, single submitter. Criteria: EGL Classification Definitions 2015. Collection method: clinical testing. Allele origin: germline. Observed: 1 variant allele, 1 heterozygote.

Center for Pediatric Genomic Medicine, Children's Mercy Hospital and Clinics
Classification: Uncertain significance. Last evaluated: 2015-09-25. Review status: criteria provided, single submitter. Criteria: ACMG Guidelines, 2015. Collection method: clinical testing. Allele origin: germline.
ClinVar note: Converted during submission from Uncertain Significance to Uncertain significance.